The following is an entry in ClinVar:

NM_002857.4(PEX19):c.187C>G (p.Leu63Val)

Gene: PEX19 (peroxisomal biogenesis factor 19; minus strand). Cytogenetic location: 1q23.2.
Variant type: single nucleotide variant.
Coding change: c.187C>G on transcript NM_002857.4 (MANE Select); coding-DNA position 187, C replaced by G.
Protein change: p.Leu63Val; replaces leucine 63 with valine.
Molecular consequence: missense variant. On other transcripts: non-coding transcript variant (2).
Genome position (GRCh38, 1-based): chr1:160,283,103, G>C on the plus strand (C>G on the coding strand, the complement: PEX19 is on the minus strand). VCF-style: chr1-160283103-G-C. GRCh37 (hg19) VCF-style: chr1-160252893-G-C.
Other names: c.187C>G, p.Leu63Val (NM_001193644.1); c.187C>G (NM_002857.3); short protein forms L63V.
Identifiers: ClinVar variation 1015305 (VCV001015305.6), dbSNP rs1166824486, ClinGen allele CA343264046.

ClinVar aggregate classification (germline): Uncertain significance. Review status: criteria provided, multiple submitters, no conflicts (2 of 4 stars). 3 submissions from 3 submitters: Uncertain significance (3). Last evaluated 2025-06-02.

Conditions:
PEX19-related disorder. Also called: PEX19-related condition.
Inborn genetic diseases. Identifiers: MedGen C0950123, MeSH D030342.
Peroxisome biogenesis disorder 12A (Zellweger). Also called: Peroxisome biogenesis disorder 12A. Identifiers: Orphanet 912, MedGen C3554002, MONDO:0013951, OMIM 614886.

Allele frequency attached by ClinVar (database versions not stated): gnomAD exomes below 0.00001; TOPMed 0.00002.

Submissions (3):

PreventionGenetics, part of Exact Sciences
Classification: Uncertain significance for PEX19-related condition. Last evaluated: 2025-06-02. Review status: criteria provided, single submitter. Criteria: ACMG Guidelines, 2015. Collection method: clinical testing. Allele origin: germline.
Comment: The PEX19 c.187C>G variant is predicted to result in the amino acid substitution p.Leu63Val. To our knowledge, this variant has not been reported in the literature. This variant is reported in 0.00088% of alleles in individuals of European (Non-Finnish) descent in gnomAD. At this time, the clinical significance of this variant is uncertain due to the absence of conclusive functional and genetic evidence.

Ambry Genetics
Classification: Uncertain significance for Inborn genetic diseases. Last evaluated: 2025-01-20. Review status: criteria provided, single submitter. Criteria: Ambry Variant Classification Scheme 2023. Collection method: clinical testing. Allele origin: germline.

Labcorp Genetics (formerly Invitae), Labcorp
Classification: Uncertain significance for Peroxisome biogenesis disorder 12A (Zellweger). Last evaluated: 2022-08-22. Review status: criteria provided, single submitter. Criteria: Invitae Variant Classification Sherloc (09022015). Collection method: clinical testing. Allele origin: germline.
Comment: This sequence change replaces leucine, which is neutral and non-polar, with valine, which is neutral and non-polar, at codon 63 of the PEX19 protein (p.Leu63Val). This variant is present in population databases (no rsID available, gnomAD 0.0009%). This variant has not been reported in the literature in individuals affected with PEX19-related conditions. ClinVar contains an entry for this variant (Variation ID: 1015305). Algorithms developed to predict the effect of missense changes on protein structure and function are either unavailable or do not agree on the potential impact of this missense change (SIFT: "Tolerated"; PolyPhen-2: "Probably Damaging"; Align-GVGD: "Class C0"). In summary, the available evidence is currently insufficient to determine the role of this variant in disease. Therefore, it has been classified as a Variant of Uncertain Significance.